The following is an entry in ClinVar:

ClinVar aggregate classification (germline): Likely pathogenic (1 of 4 stars; one submission).

Submission:

GeneDx
Classification: Likely pathogenic. Last evaluated: 2020-03-10. Review status: criteria provided, single submitter. Criteria: GeneDx Variant Classification Process June 2021. Collection method: clinical testing. Allele origin: germline. Affected: yes.
Comment: Has not been previously published as pathogenic or benign to our knowledge; Not observed in large population cohorts (Lek et al., 2016); In silico analysis supports that this missense variant has a deleterious effect on protein structure/function; Located in one of the three hot-spot regions of the RYR2 gene, where the majority of pathogenic missense variants occur (Medeiros-Domingo et al., 2009)

NM_001035.3(RYR2):c.6883G>A (p.Gly2295Arg)

Gene: RYR2 (ryanodine receptor 2; plus strand). Cytogenetic location: 1q43.
Variant type: single nucleotide variant.
Coding change: c.6883G>A on transcript NM_001035.3 (MANE Select); coding-DNA position 6883, G replaced by A.
Protein change: p.Gly2295Arg; replaces glycine 2295 with arginine.
Molecular consequence: missense variant.
Genome position (GRCh38, 1-based): chr1:237,638,447, G>A. VCF-style: chr1-237638447-G-A. GRCh37 (hg19) VCF-style: chr1-237801747-G-A.
Other names: p.G2295R:GGA>AGA; c.6883G>A, p.Gly2295Arg (LRG_402t1); short protein forms G2295R.
Identifiers: ClinVar variation 201267 (VCV000201267.3), dbSNP rs794728745, ClinGen allele CA010358.